The following is an entry in ClinVar:

NM_001458.5(FLNC):c.4675C>A (p.Pro1559Thr)

Gene: FLNC (filamin C; plus strand). Cytogenetic location: 7q32.1.
Variant type: single nucleotide variant.
Coding change: c.4675C>A on transcript NM_001458.5 (MANE Select); coding-DNA position 4675, C replaced by A.
Protein change: p.Pro1559Thr; replaces proline 1559 with threonine.
Molecular consequence: missense variant.
Genome position (GRCh38, 1-based): chr7:128,848,655, C>A. VCF-style: chr7-128848655-C-A. GRCh37 (hg19) VCF-style: chr7-128488709-C-A.
Other names: c.4675C>A, p.Pro1559Thr (NM_001127487.2); short protein forms P1559T.
Identifiers: ClinVar variation 1927877 (VCV001927877.5), dbSNP rs916616640, ClinGen allele CA369202708.

ClinVar aggregate classification (germline): Uncertain significance (1 of 4 stars; one submission).

Conditions:
Distal myopathy with posterior leg and anterior hand involvement. Also called: WILLIAMS DISTAL MYOPATHY. Identifiers: Orphanet 63273, MedGen C3279722, MONDO:0013550, OMIM 614065.
Hypertrophic cardiomyopathy 26. Also called: Cardiomyopathy, familial hypertrophic, 26. Identifiers: Orphanet 75249, MedGen C4310749, MONDO:0014883, OMIM 617047.
Myofibrillar myopathy 5. Also called: Filaminopathy (type); FILAMINOPATHY, AUTOSOMAL DOMINANT. Identifiers: Orphanet 171445, MedGen C1836050, MONDO:0012289, OMIM 609524.

gnomAD v4.1: 1 of 1,613,592 alleles (0.000062%); no homozygotes.

Submission:

Labcorp Genetics (formerly Invitae), Labcorp
Classification: Uncertain significance for Distal myopathy with posterior leg and anterior hand involvement; Myofibrillar myopathy 5; Hypertrophic cardiomyopathy 26. Last evaluated: 2025-06-04. Review status: criteria provided, single submitter. Criteria: Invitae Variant Classification Sherloc (09022015). Collection method: clinical testing. Allele origin: germline.
Comment: This sequence change replaces proline, which is neutral and non-polar, with threonine, which is neutral and polar, at codon 1559 of the FLNC protein (p.Pro1559Thr). This variant is not present in population databases (gnomAD no frequency). This variant has not been reported in the literature in individuals affected with FLNC-related conditions. ClinVar contains an entry for this variant (Variation ID: 1927877). Invitae Evidence Modeling of protein sequence and biophysical properties (such as structural, functional, and spatial information, amino acid conservation, physicochemical variation, residue mobility, and thermodynamic stability) has been performed for this missense variant. However, the output from this modeling did not meet the statistical confidence thresholds required to predict the impact of this variant on FLNC protein function. In summary, the available evidence is currently insufficient to determine the role of this variant in disease. Therefore, it has been classified as a Variant of Uncertain Significance.